The following is an entry in ClinVar:

NM_139027.6(ADAMTS13):c.2125A>T (p.Ser709Cys)

Gene: ADAMTS13 (ADAM metallopeptidase with thrombospondin type 1 motif 13; plus strand). Cytogenetic location: 9q34.2.
Variant type: single nucleotide variant.
Coding change: c.2125A>T on transcript NM_139027.6 (MANE Select); coding-DNA position 2125, A replaced by T.
Protein change: p.Ser709Cys; replaces serine 709 with cysteine.
Molecular consequence: missense variant.
Genome position (GRCh38, 1-based): chr9:133,442,634, A>T. VCF-style: chr9-133442634-A-T. GRCh37 (hg19) VCF-style: chr9-136307755-A-T.
Other names: p.Ser709Cys; c.2125A>T, p.Ser709Cys (NM_139025.5); c.2032A>T, p.Ser678Cys (NM_139026.6); short protein forms S709C, S678C.
Identifiers: ClinVar variation 2229760 (VCV002229760.3), dbSNP rs1008163385, ClinGen allele CA200934072.

ClinVar aggregate classification (germline): Uncertain significance. Review status: criteria provided, multiple submitters, no conflicts (2 of 4 stars). 2 submissions from 2 submitters: Uncertain significance (2). Last evaluated 2025-03-04.

Conditions:
Inborn genetic diseases. Identifiers: MedGen C0950123, MeSH D030342.

Allele frequency attached by ClinVar (database versions not stated): TOPMed 0.00001; gnomAD 0.00002.
gnomAD v4.1: 5 of 1,613,152 alleles (0.00031%); highest among the groups gnomAD compares: African/African-American, 0.0067%; no homozygotes.

Submissions (2):

Mayo Clinic Laboratories, Mayo Clinic
Classification: Uncertain significance. Last evaluated: 2025-03-04. Review status: criteria provided, single submitter. Criteria: ACMG Guidelines, 2015. Collection method: clinical testing. Allele origin: germline. Observed: 1 variant allele.
Comment: BP4, PM2_supporting

Ambry Genetics
Classification: Uncertain significance for Inborn genetic diseases. Last evaluated: 2021-11-12. Review status: criteria provided, single submitter. Criteria: Ambry Variant Classification Scheme 2023. Collection method: clinical testing. Allele origin: germline.